The following is an entry in ClinVar:

NM_001040108.2(MLH3):c.1837G>A (p.Val613Ile)

Gene: MLH3 (mutL homolog 3; minus strand). Cytogenetic location: 14q24.3.
Variant type: single nucleotide variant.
Coding change: c.1837G>A on transcript NM_001040108.2 (MANE Select); coding-DNA position 1837, G replaced by A.
Protein change: p.Val613Ile; replaces valine 613 with isoleucine.
Molecular consequence: missense variant.
Genome position (GRCh38, 1-based): chr14:75,047,819, C>T on the plus strand (G>A on the coding strand, the complement: MLH3 is on the minus strand). VCF-style: chr14-75047819-C-T. GRCh37 (hg19) VCF-style: chr14-75514522-C-T.
Other names: c.1837G>A, p.Val613Ile (NM_014381.3); short protein forms V613I.
Identifiers: ClinVar variation 3632359 (VCV003632359.2).
Genomic context (GRCh38, chr14:75,047,819, plus strand): 5'-GTCTAACATAATTTTTAAATGAATGTTCTGTTTCAGTTGATTTAGTTTTTTCATTTTGTA[C>T]TACATGAGTTATAAAGCCAGTGGAACATAATTTAACTCGCCCATAACTAAAAACATTTCT-3'
Protein context (NP_001035197.1, residues 603-623): LCSTGFITHV[Val613Ile]QNEKTKSTET

ClinVar aggregate classification (germline): Uncertain significance (1 of 4 stars; one submission).

Conditions:
Colorectal cancer, hereditary nonpolyposis, type 7. Identifiers: Orphanet 144, MedGen C1858380, MONDO:0013725, OMIM 614385.

Submission:

Labcorp Genetics (formerly Invitae), Labcorp
Classification: Uncertain significance for Colorectal cancer, hereditary nonpolyposis, type 7. Last evaluated: 2025-01-30. Review status: criteria provided, single submitter. Criteria: Invitae Variant Classification Sherloc (09022015). Collection method: clinical testing. Allele origin: germline.
Comment: This sequence change replaces valine, which is neutral and non-polar, with isoleucine, which is neutral and non-polar, at codon 613 of the MLH3 protein (p.Val613Ile). This variant is not present in population databases (gnomAD no frequency). This variant has not been reported in the literature in individuals affected with MLH3-related conditions. An algorithm developed to predict the effect of missense changes on protein structure and function (PolyPhen-2) suggests that this variant is likely to be tolerated. In summary, the available evidence is currently insufficient to determine the role of this variant in disease. Therefore, it has been classified as a Variant of Uncertain Significance.